The following is an entry in ClinVar:

ClinVar aggregate classification (germline): Benign/Likely benign. Review status: criteria provided, multiple submitters, no conflicts (2 of 4 stars). 3 submissions from 3 submitters: Benign (1); Likely benign (2). Last evaluated 2026-02-01.

Conditions:
Inborn genetic diseases. Identifiers: MedGen C0950123, MeSH D030342.

Allele frequency attached by ClinVar (database versions not stated): TOPMed 0.00022; ESP Exome Variant Server 0.00023; ExAC 0.00027; gnomAD 0.00027.
gnomAD v4.1: 370 of 1,614,048 alleles (0.023%); highest among the groups gnomAD compares: Non-Finnish European, 0.028%; no homozygotes.

Submissions (6):

CeGaT Center for Human Genetics Tuebingen
Classification: Likely benign. Last evaluated: 2026-02-01. Review status: criteria provided, single submitter. Criteria: CeGaT Center For Human Genetics Tuebingen Variant Classification Criteria Version 2. Collection method: clinical testing. Allele origin: germline. Affected: yes. Observed: 4 variant alleles.
Comment: ZMIZ1: BP4, BS2

Labcorp Genetics (formerly Invitae), Labcorp
Classification: Benign. Last evaluated: 2025-09-02. Review status: criteria provided, single submitter. Criteria: Invitae Variant Classification Sherloc (09022015). Collection method: clinical testing. Allele origin: germline.

Ambry Genetics
Classification: Likely benign for Inborn genetic diseases. Last evaluated: 2023-01-26. Review status: criteria provided, single submitter. Criteria: Ambry Variant Classification Scheme 2023. Collection method: clinical testing. Allele origin: germline.

Dr. Peter K. Rogan Lab, Western University
No classification provided (evidence only). Condition: Familial cancer of breast. Review status: no classification provided. Collection method: in vitro. Allele origin: not applicable. Functional consequence: retained intron. Not counted in ClinVar's aggregate classification.

Dr. Peter K. Rogan Lab, Western University
No classification provided (evidence only). Condition: Nonpapillary renal cell carcinoma. Review status: no classification provided. Collection method: in vitro. Allele origin: not applicable. Functional consequence: retained intron. Not counted in ClinVar's aggregate classification.

Dr. Peter K. Rogan Lab, Western University
No classification provided (evidence only). Condition: Ovarian serous cystadenocarcinoma. Review status: no classification provided. Collection method: in vitro. Allele origin: not applicable. Functional consequence: retained intron. Not counted in ClinVar's aggregate classification.

NM_020338.4(ZMIZ1):c.1462A>G (p.Ser488Gly)

Gene: ZMIZ1 (zinc finger MIZ-type containing 1; plus strand). Cytogenetic location: 10q22.3.
Variant type: single nucleotide variant.
Coding change: c.1462A>G on transcript NM_020338.4 (MANE Select); coding-DNA position 1462, A replaced by G.
Protein change: p.Ser488Gly; replaces serine 488 with glycine.
Molecular consequence: missense variant.
Genome position (GRCh38, 1-based): chr10:79,297,661, A>G. VCF-style: chr10-79297661-A-G. GRCh37 (hg19) VCF-style: chr10-81057418-A-G.
Other names: c.1462A>G (NM_020338.3); short protein forms S488G.
Identifiers: ClinVar variation 2055190 (VCV002055190.28), dbSNP rs201288265, ClinGen allele CA5572688.